The following is an entry in ClinVar:

ClinVar aggregate classification (germline): Likely pathogenic (1 of 4 stars; one submission).

Submission:

GeneDx
Classification: Likely pathogenic. Last evaluated: 2025-07-21. Review status: criteria provided, single submitter. Criteria: GeneDx Variant Classification Process June 2021. Collection method: clinical testing. Allele origin: germline. Affected: yes.
Comment: Frameshift variant predicted to result in abnormal protein length as the last 143 amino acids are replaced with 32 different amino acids, and other similar variants have been reported in HGMD; Not observed at significant frequency in large population cohorts (gnomAD); Has not been previously published as pathogenic or benign to our knowledge

NM_017780.4(CHD7):c.8564_8567del (p.Lys2855fs)

Gene: CHD7 (chromodomain helicase DNA binding protein 7; plus strand). Cytogenetic location: 8q12.2.
Variant type: Deletion.
Coding change: c.8564_8567del on transcript NM_017780.4 (MANE Select); coding-DNA positions 8564 to 8567, 4 bases deleted (AAGA; older notation c.8564_8567delAAGA).
Protein change: p.Lys2855fs; shifts the reading frame from lysine 2855.
Molecular consequence: frameshift variant.
Genome position (GRCh38, 1-based): chr8:60,865,503-60,865,506, AAGA deleted; deleting any 4 consecutive bases within chr8:60,865,502-60,865,506 gives the same sequence; the c. name uses the placement nearest the transcript's 3' end. VCF-style (leftmost placement, unchanged base first): chr8-60865501-CAAAG-C. GRCh37 (hg19) VCF-style: chr8-61778060-CAAAG-C.
Other names: c.2417_2420del, p.Lys806fs (NM_001316690.1); c.8564_8567delAAGA, p.Lys2855Thrfs (NM_017780.2); short protein forms K2855fs, K806fs.
Identifiers: ClinVar variation 4686888 (VCV004686888.1).